The following is an entry in ClinVar:

ClinVar aggregate classification (germline): Conflicting classifications of pathogenicity. Review status: criteria provided, conflicting classifications (1 of 4 stars). 4 submissions from 4 submitters: Uncertain significance (3); Likely benign (1). Last evaluated 2023-12-03.

Allele frequency attached by ClinVar (database versions not stated): ExAC 0.00002; gnomAD exomes 0.00002 and 0.00006; TOPMed 0.00003; gnomAD 0.00005; ESP Exome Variant Server 0.00016.
gnomAD v4.1: 92 of 1,613,562 alleles (0.0057%); highest among the groups gnomAD compares: Non-Finnish European, 0.0077%; no homozygotes.

Submissions (4):

Women's Health and Genetics/Laboratory Corporation of America, LabCorp
Classification: Uncertain significance. Last evaluated: 2023-12-03. Review status: criteria provided, single submitter. Criteria: LabCorp Variant Classification Summary - May 2015. Collection method: clinical testing. Allele origin: germline.

Revvity Omics, Revvity
Classification: Uncertain significance. Last evaluated: 2020-06-30. Review status: criteria provided, single submitter. Criteria: ACMG Guidelines, 2015. Collection method: clinical testing. Allele origin: germline.

GeneDx
Classification: Likely benign. Last evaluated: 2018-03-21. Review status: criteria provided, single submitter. Criteria: GeneDx Variant Classification (06012015). Collection method: clinical testing. Allele origin: germline. Affected: yes.
Comment: This variant is considered likely benign or benign based on one or more of the following criteria: it is a conservative change, it occurs at a poorly conserved position in the protein, it is predicted to be benign by multiple in silico algorithms, and/or has population frequency not consistent with disease.

Laboratory for Molecular Medicine, Mass General Brigham Personalized Medicine
Classification: Uncertain significance. Last evaluated: 2013-04-21. Review status: criteria provided, single submitter. Criteria: LMM Criteria. Collection method: clinical testing. Allele origin: germline. Observed: 1 variant allele.
Comment: Variant classified as Uncertain Significance - Favor Benign. The Lys5016Gln vari ant in TTN has not been reported in individuals with cardiomyopathy, but has bee n identified in 2/8278 European American chromosomes by the NHLBI Exome Sequenci ng Project. Lysine (Lys) at position 5016 is not conserved in mammals, suggesting that a change at this position would be to lerated. Additional computational analyses (biochemical amino acid properties, A lignGVGD, PolyPhen2, and SIFT) do not provide strong support for or against an i mpact to the protein. Although the lack of segregation supports that the Lys5016 Gln variant may be benign, additional studies are needed to fully assess its cli nical significance.

NM_001267550.2(TTN):c.18778A>C (p.Lys6260Gln)

Genes: TTN (titin; minus strand), LOC126806430 (BRD4-independent group 4 enhancer GRCh37_chr2:179593794-179594993; plus strand). Cytogenetic location: 2q31.2.
Variant type: single nucleotide variant.
Coding change: c.18778A>C on transcript NM_001267550.2 (MANE Select); coding-DNA position 18778, A replaced by C.
Protein change: p.Lys6260Gln; replaces lysine 6260 with glutamine.
Molecular consequence: missense variant. On other transcripts: intron variant (3).
Genome position (GRCh38, 1-based): chr2:178,729,378, T>G on the plus strand (A>C on the coding strand, the complement: TTN is on the minus strand). VCF-style: chr2-178729378-T-G. GRCh37 (hg19) VCF-style: chr2-179594105-T-G.
Other names: c.13282+8704A>C (NM_003319.4); c.13858+8704A>C (NM_133437.4); c.13657+8704A>C (NM_133432.3); c.17827A>C, p.Lys5943Gln (NM_001256850.1); c.15046A>C, p.Lys5016Gln (NM_133378.4); short protein forms K5016Q, K6260Q, K5943Q.
Identifiers: ClinVar variation 178249 (VCV000178249.8), dbSNP rs375652574, ClinGen allele CA181912.